The following is an entry in ClinVar:

NM_199420.4(POLQ):c.5395A>T (p.Ile1799Phe)

Gene: POLQ (DNA polymerase theta; minus strand). Cytogenetic location: 3q13.33.
Variant type: single nucleotide variant.
Coding change: c.5395A>T on transcript NM_199420.4 (MANE Select); coding-DNA position 5395, A replaced by T.
Protein change: p.Ile1799Phe; replaces isoleucine 1799 with phenylalanine.
Molecular consequence: missense variant.
Genome position (GRCh38, 1-based): chr3:121,487,536, T>A on the plus strand (A>T on the coding strand, the complement: POLQ is on the minus strand). VCF-style: chr3-121487536-T-A. GRCh37 (hg19) VCF-style: chr3-121206383-T-A.
Other names: short protein forms I1799F.
Identifiers: ClinVar variation 2448970 (VCV002448970.3), dbSNP rs61734810, ClinGen allele CA2562723.

ClinVar aggregate classification (germline): Uncertain significance (1 of 4 stars; one submission).

Allele frequency attached by ClinVar (database versions not stated): ExAC 0.00012; gnomAD 0.00013; ESP Exome Variant Server 0.00015.
gnomAD v4.1: 280 of 1,613,952 alleles (0.017%); highest among the groups gnomAD compares: Middle Eastern, 0.033%; 1 homozygote.

Submission:

Ambry Genetics
Classification: Uncertain significance. Last evaluated: 2024-11-14. Review status: criteria provided, single submitter. Criteria: Ambry Variant Classification Scheme 2023. Collection method: clinical testing. Allele origin: germline.
Comment: The p.I1799F variant (also known as c.5395A>T), located in coding exon 16 of the POLQ gene, results from an A to T substitution at nucleotide position 5395. The isoleucine at codon 1799 is replaced by phenylalanine, an amino acid with highly similar properties. This amino acid position is conserved. In addition, this alteration is predicted to be tolerated by in silico analysis. Since supporting evidence is limited at this time, the clinical significance of this alteration remains unclear.